The following is an entry in ClinVar:

NM_022455.5(NSD1):c.4704G>A (p.Leu1568=)

Gene: NSD1 (nuclear receptor binding SET domain protein 1; plus strand). Cytogenetic location: 5q35.3.
Variant type: single nucleotide variant.
Coding change: c.4704G>A on transcript NM_022455.5 (MANE Select); coding-DNA position 4704, G replaced by A.
Protein change: p.Leu1568=; no amino-acid change (leucine 1568 retained).
Molecular consequence: synonymous variant.
Genome position (GRCh38, 1-based): chr5:177,251,792, G>A. VCF-style: chr5-177251792-G-A. GRCh37 (hg19) VCF-style: chr5-176678793-G-A.
Other names: c.3831G>A, p.Leu1277= (NM_001365684.2, NM_001409306.1, NM_001409307.1 and 3 more transcripts); c.4704G>A, p.Leu1568= (NM_001409301.1, NM_001409302.1, NM_001409303.1); c.4284G>A, p.Leu1428= (NM_001409304.1); c.3951G>A, p.Leu1317= (NM_001409305.1).
Identifiers: ClinVar variation 4983002 (VCV004983002.1).
Genomic context (GRCh38, chr5:177,251,792, plus strand): 5'-TTGTGAAAAATTGGGTGAGCTGCTGTTATGTGAGGCTCAGTGCTGTGGGGCTTTCCACCT[G>A]GAGTGCCTTGGATTGACTGAGATGCCAAGAGGAAAATTTATCTGCAATGAATGTCGCACA-3'
Protein context (NP_071900.2, residues 1558-1578): CEAQCCGAFH[Leu1568=]ECLGLTEMPR

ClinVar aggregate classification (germline): Likely benign (1 of 4 stars; one submission).

Conditions:
NSD1-related disorder. Also called: NSD1-related condition.

gnomAD v4.1: 1 of 1,614,002 alleles (0.000062%); highest among the groups gnomAD compares: African/African-American, 0.0013%; no homozygotes.

Submission:

PreventionGenetics, part of Exact Sciences
Classification: Likely benign for NSD1-related condition. Last evaluated: 2025-12-27. Review status: criteria provided, single submitter. Criteria: ACMG Guidelines, 2015. Collection method: clinical testing. Allele origin: germline.
Comment: This variant is classified as likely benign based on ACMG/AMP sequence variant interpretation guidelines (Richards et al. 2015 PMID: 25741868, with internal and published modifications).